The following is an entry in ClinVar:

NM_022437.3(ABCG8):c.1127+6G>A

Gene: ABCG8 (ATP binding cassette subfamily G member 8; plus strand). Cytogenetic location: 2p21.
Variant type: single nucleotide variant.
Coding change: c.1127+6G>A on transcript NM_022437.3 (MANE Select); 6 bases into the intron after coding-DNA position 1127, G replaced by A.
Molecular consequence: intron variant.
Genome position (GRCh38, 1-based): chr2:43,872,144, G>A. VCF-style: chr2-43872144-G-A. GRCh37 (hg19) VCF-style: chr2-44099283-G-A.
Other names: c.1127+6G>A (NM_001357321.2).
Identifiers: ClinVar variation 2097744 (VCV002097744.4), dbSNP rs1162831557, ClinGen allele CA532288005.

ClinVar aggregate classification (germline): Uncertain significance (1 of 4 stars; one submission).

gnomAD v4.1: 1 of 1,614,096 alleles (0.000062%); highest among the groups gnomAD compares: South Asian, 0.0011%; no homozygotes.

Submission:

Labcorp Genetics (formerly Invitae), Labcorp
Classification: Uncertain significance. Last evaluated: 2022-05-22. Review status: criteria provided, single submitter. Criteria: Invitae Variant Classification Sherloc (09022015). Collection method: clinical testing. Allele origin: germline.
Comment: In summary, the available evidence is currently insufficient to determine the role of this variant in disease. Therefore, it has been classified as a Variant of Uncertain Significance. Variants that disrupt the consensus splice site are a relatively common cause of aberrant splicing (PMID: 17576681, 9536098). Algorithms developed to predict the effect of sequence changes on RNA splicing suggest that this variant is not likely to affect RNA splicing. This variant has not been reported in the literature in individuals affected with ABCG8-related conditions. This variant is present in population databases (no rsID available, gnomAD 0.003%). This sequence change falls in intron 7 of the ABCG8 gene. It does not directly change the encoded amino acid sequence of the ABCG8 protein. It affects a nucleotide within the consensus splice site.

Literature cited by the submitters: PubMed 17576681; PubMed 9536098.